The following is an entry in ClinVar:

NM_001130987.2(DYSF):c.5843del (p.Gln1948fs)

Gene: DYSF (dysferlin; plus strand). Cytogenetic location: 2p13.2.
Variant type: Deletion.
Coding change: c.5843del on transcript NM_001130987.2 (MANE Select); coding-DNA position 5843, one base deleted (A; older notation c.5843delA).
Protein change: p.Gln1948fs; shifts the reading frame from glutamine 1948.
Molecular consequence: frameshift variant.
Genome position (GRCh38, 1-based): chr2:71,674,255, A deleted. VCF-style (leftmost placement, unchanged base first): chr2-71674254-CA-C. GRCh37 (hg19) VCF-style: chr2-71901384-CA-C.
Other names: c.5726del, p.Gln1909fs (NM_003494.4); c.5729del, p.Gln1910fs (NM_001130455.2); c.5684del, p.Gln1895fs (NM_001130976.2); c.5747del, p.Gln1916fs (NM_001130977.2); c.5789del, p.Gln1930fs (NM_001130978.2); c.5819del, p.Gln1940fs (NM_001130979.2); c.5777del, p.Gln1926fs (NM_001130980.2); c.5840del, p.Gln1947fs (NM_001130981.2); and 5 more; short protein forms Q1895fs, Q1896fs, Q1930fs, Q1947fs, Q1948fs, Q1909fs, Q1910fs, Q1940fs.
Identifiers: ClinVar variation 2752740 (VCV002752740.3), dbSNP rs2546606426, ClinGen allele CA2697548259.

ClinVar aggregate classification (germline): Pathogenic (1 of 4 stars; one submission).

Conditions:
Neuromuscular disease caused by qualitative or quantitative defects of dysferlin. Also called: Dysferlinopathy; Qualitative or quantitative defects of dysferlin. Identifiers: Orphanet 207073, MedGen C2931687, MONDO:0016145.

Submission:

Labcorp Genetics (formerly Invitae), Labcorp
Classification: Pathogenic for Neuromuscular disease caused by qualitative or quantitative defects of dysferlin. Last evaluated: 2023-08-16. Review status: criteria provided, single submitter. Criteria: Invitae Variant Classification Sherloc (09022015). Collection method: clinical testing. Allele origin: germline.
Comment: For these reasons, this variant has been classified as Pathogenic. This variant has not been reported in the literature in individuals affected with DYSF-related conditions. This variant is not present in population databases (gnomAD no frequency). This sequence change creates a premature translational stop signal (p.Gln1909Argfs*57) in the DYSF gene. It is expected to result in an absent or disrupted protein product. Loss-of-function variants in DYSF are known to be pathogenic (PMID: 17698709, 20301480).

Literature cited by the submitters: PubMed 17698709; PubMed 20301480.